The following is an entry in ClinVar:

ClinVar aggregate classification (germline): Uncertain significance (1 of 4 stars; one submission).

gnomAD v4.1: 6 of 1,613,170 alleles (0.00037%); highest among the groups gnomAD compares: East Asian, 0.011%; no homozygotes.

Submissions (2):

Labcorp Genetics (formerly Invitae), Labcorp
Classification: Uncertain significance. Last evaluated: 2024-08-08. Review status: criteria provided, single submitter. Criteria: Invitae Variant Classification Sherloc (09022015). Collection method: clinical testing. Allele origin: germline.
Comment: This sequence change affects codon 168 of the GSN mRNA. It is a 'silent' change, meaning that it does not change the encoded amino acid sequence of the GSN protein. This variant also falls at the last nucleotide of exon 3, which is part of the consensus splice site for this exon. This variant is present in population databases (rs756743284, gnomAD 0.02%). This variant has not been reported in the literature in individuals affected with GSN-related conditions. Variants that disrupt the consensus splice site are a relatively common cause of aberrant splicing (PMID: 17576681, 9536098). Algorithms developed to predict the effect of sequence changes on RNA splicing suggest that this variant may disrupt the consensus splice site. In summary, the available evidence is currently insufficient to determine the role of this variant in disease. Therefore, it has been classified as a Variant of Uncertain Significance.

Dr. Peter K. Rogan Lab, Western University
No classification provided (evidence only). Condition: Hepatocellular carcinoma. Review status: no classification provided. Collection method: in vitro. Allele origin: not applicable. Functional consequence: retained intron. Not counted in ClinVar's aggregate classification.

Literature cited by the submitters: PubMed 17576681 (cited by Labcorp Genetics (formerly Invitae), Labcorp); PubMed 9536098 (cited by Labcorp Genetics (formerly Invitae), Labcorp).

NM_198252.3(GSN):c.351G>A (p.Lys117=)

Gene: GSN (gelsolin; plus strand). Cytogenetic location: 9q33.2.
Variant type: single nucleotide variant.
Coding change: c.351G>A on transcript NM_198252.3 (MANE Select); coding-DNA position 351, G replaced by A.
Protein change: p.Lys117=; no amino-acid change (lysine 117 retained).
Molecular consequence: synonymous variant. On other transcripts: 5 prime UTR variant (1).
Genome position (GRCh38, 1-based): chr9:121,303,065, G>A. VCF-style: chr9-121303065-G-A. GRCh37 (hg19) VCF-style: chr9-124065343-G-A.
Other names: c.504G>A, p.Lys168= (NM_000177.5); c.351G>A, p.Lys117= (NM_001127662.2, NM_001127664.2, NM_001127665.2 and 10 more transcripts); c.459G>A, p.Lys153= (NM_001127663.2); c.384G>A, p.Lys128= (NM_001127666.2, NM_001127667.2, NM_001353063.2 and 13 more transcripts); c.402G>A, p.Lys134= (NM_001258029.2); c.375G>A, p.Lys125= (NM_001258030.2); c.423G>A, p.Lys141= (NM_001353076.2); c.-304G>A (NM_001353078.2).
Identifiers: ClinVar variation 3611896 (VCV003611896.3).